The following is an entry in ClinVar:

ClinVar aggregate classification (germline): Pathogenic (1 of 4 stars; one submission).

Conditions:
Fanconi anemia complementation group J. Also called: BRIP1-Related Fanconi Anemia. Identifiers: Orphanet 84, MedGen C1836860, MONDO:0012187, OMIM 609054.
Familial cancer of breast. Also called: BREAST CANCER, FAMILIAL; Hereditary breast cancer; hereditary breast carcinoma. Identifiers: Orphanet 227535, MedGen C0346153, MONDO:0016419, OMIM 114480. Disease mechanism: loss of function.

Submission:

Labcorp Genetics (formerly Invitae), Labcorp
Classification: Pathogenic for Familial cancer of breast; Fanconi anemia complementation group J. Last evaluated: 2024-12-08. Review status: criteria provided, single submitter. Criteria: Invitae Variant Classification Sherloc (09022015). Collection method: clinical testing. Allele origin: germline.
Comment: This sequence change creates a premature translational stop signal (p.Ile782Asnfs*14) in the BRIP1 gene. It is expected to result in an absent or disrupted protein product. Loss-of-function variants in BRIP1 are known to be pathogenic (PMID: 16116423, 17033622, 21964575). This variant is not present in population databases (gnomAD no frequency). This variant has not been reported in the literature in individuals affected with BRIP1-related conditions. For these reasons, this variant has been classified as Pathogenic.

Literature cited by the submitters: PubMed 16116423; PubMed 17033622; PubMed 21964575.

NM_032043.3(BRIP1):c.2344dup (p.Ile782fs)

Gene: BRIP1 (BRCA1 interacting DNA helicase 1; minus strand). Cytogenetic location: 17q23.2.
Variant type: Duplication.
Coding change: c.2344dup on transcript NM_032043.3 (MANE Select); coding-DNA position 2344, one base duplicated (A; older notation c.2344dupA).
Protein change: p.Ile782fs; shifts the reading frame from isoleucine 782.
Molecular consequence: frameshift variant.
Genome position (GRCh38, 1-based): chr17:61,743,048, T duplicated on the plus strand (A on the coding strand, the reverse complement: BRIP1 is on the minus strand); the first of 2 consecutive T bases (chr17:61,743,048-61,743,049); duplicating either gives the same sequence. VCF-style (leftmost placement, unchanged base first): chr17-61743047-A-AT. GRCh37 (hg19) VCF-style: chr17-59820408-A-AT.
Other names: short protein forms I782fs.
Identifiers: ClinVar variation 3759992 (VCV003759992.2).
Genomic context (GRCh38, chr17:61,743,047, plus strand): 5'-TAAAACTTAAGGTTTTGATGGCCTACCTGTAGATCTTTCACATTTGGAAAAGGAATTCCT[A>AT]TTGTTATGACAGCACGGGCATTGTCATCTGAGAAATCCAGACCCTCACTCACTTTACCAC-3'